The following is an entry in ClinVar:

ClinVar aggregate classification (germline): Conflicting classifications of pathogenicity. Review status: criteria provided, conflicting classifications (1 of 4 stars). 3 submissions from 3 submitters: Uncertain significance (2); Benign (1). Last evaluated 2025-04-17.

Conditions:
Inborn genetic diseases. Identifiers: MedGen C0950123, MeSH D030342.
Charcot-Marie-Tooth disease axonal type 2O. Also called: Charcot-Marie-Tooth disease, axonal, type 20; Charcot-Marie-Tooth Neuropathy Type 2O; CHARCOT-MARIE-TOOTH NEUROPATHY, AXONAL, TYPE 2O; CHARCOT-MARIE-TOOTH DISEASE, AXONAL, AUTOSOMAL DOMINANT, TYPE 2O. Identifiers: Orphanet 284232, MedGen C3280220, MONDO:0013644, OMIM 614228.

Allele frequency attached by ClinVar (database versions not stated): ExAC 0.00002; gnomAD exomes 0.00002; gnomAD 0.00005.
gnomAD v4.1: 36 of 1,613,988 alleles (0.0022%); highest among the groups gnomAD compares: African/African-American, 0.0093%; no homozygotes.

Submissions (3):

Labcorp Genetics (formerly Invitae), Labcorp
Classification: Benign for Charcot-Marie-Tooth disease axonal type 2O. Last evaluated: 2025-04-17. Review status: criteria provided, single submitter. Criteria: Invitae Variant Classification Sherloc (09022015). Collection method: clinical testing. Allele origin: germline.

Women's Health and Genetics/Laboratory Corporation of America, LabCorp
Classification: Uncertain significance. Last evaluated: 2024-06-20. Review status: criteria provided, single submitter. Criteria: LabCorp Variant Classification Summary - May 2015. Collection method: clinical testing. Allele origin: germline.
Comment: Variant summary: DYNC1H1 c.6029C>T (p.Pro2010Leu) results in a non-conservative amino acid change located in the AAA+ ATPase domain (IPR003593) of the encoded protein sequence. Three of five in-silico tools predict a damaging effect of the variant on protein function. The variant allele was found at a frequency of 1.6e-05 in 251460 control chromosomes (gnomAD). The available data on variant occurrences in the general population are insufficient to allow any conclusion about variant significance. To our knowledge, no occurrence of c.6029C>T in individuals affected with DYNC1H1-Related Disorders and no experimental evidence demonstrating its impact on protein function have been reported. ClinVar contains an entry for this variant (Variation ID: 1498674). Based on the evidence outlined above, the variant was classified as uncertain significance.

Ambry Genetics
Classification: Uncertain significance for Inborn genetic diseases. Last evaluated: 2021-06-11. Review status: criteria provided, single submitter. Criteria: Ambry Variant Classification Scheme 2023. Collection method: clinical testing. Allele origin: germline.

NM_001376.5(DYNC1H1):c.6029C>T (p.Pro2010Leu)

Gene: DYNC1H1 (dynein cytoplasmic 1 heavy chain 1; plus strand). Cytogenetic location: 14q32.31.
Variant type: single nucleotide variant.
Coding change: c.6029C>T on transcript NM_001376.5 (MANE Select); coding-DNA position 6029, C replaced by T.
Protein change: p.Pro2010Leu; replaces proline 2010 with leucine.
Molecular consequence: missense variant.
Genome position (GRCh38, 1-based): chr14:102,009,894, C>T. VCF-style: chr14-102009894-C-T. GRCh37 (hg19) VCF-style: chr14-102476231-C-T.
Other names: c.6029C>T (NM_001376.4); short protein forms P2010L.
Identifiers: ClinVar variation 1498674 (VCV001498674.10), dbSNP rs747348966, ClinGen allele CA7352543.